The following is an entry in ClinVar:

NM_001374828.1(ARID1B):c.2459G>C (p.Arg820Pro)

Gene: ARID1B (AT-rich interaction domain 1B; plus strand). Cytogenetic location: 6q25.3.
Variant type: single nucleotide variant.
Coding change: c.2459G>C on transcript NM_001374828.1 (MANE Select); coding-DNA position 2459, G replaced by C.
Protein change: p.Arg820Pro; replaces arginine 820 with proline.
Molecular consequence: missense variant. On other transcripts: 5 prime UTR variant (1).
Genome position (GRCh38, 1-based): chr6:157,084,873, G>C. VCF-style: chr6-157084873-G-C. GRCh37 (hg19) VCF-style: chr6-157406007-G-C.
Other names: c.-41G>C (NM_001363725.2); c.2498G>C, p.Arg833Pro (NM_001371656.1, NM_001374820.1); c.2459G>C, p.Arg820Pro (NM_017519.3); c.2249G>C (NM_020732.3); short protein forms R820P, R833P.
Identifiers: ClinVar variation 3363749 (VCV003363749.1).
Genomic context (GRCh38, chr6:157,084,873, plus strand): 5'-GCATCCCGGGGGGCCCATCTCCCTCTCCTGTTGGCTCTCCTGTAGGAAGCAACCAGTCTC[G>C]ATCTGGCCCAATCTCTCCTGCAAGTATCCCAGGTATTTACTTTCCTGACAATTATTATTT-3'
Protein context (NP_001361757.1, residues 810-830): VGSPVGSNQS[Arg820Pro]SGPISPASIP

ClinVar aggregate classification (germline): Uncertain significance (1 of 4 stars; one submission).

Submission:

GeneDx
Classification: Uncertain significance. Last evaluated: 2023-11-05. Review status: criteria provided, single submitter. Criteria: GeneDx Variant Classification Process June 2021. Collection method: clinical testing. Allele origin: germline. Affected: yes.
Comment: Not observed at significant frequency in large population cohorts (gnomAD); In silico analysis supports that this missense variant has a deleterious effect on protein structure/function; Has not been previously published as pathogenic or benign to our knowledge